The following is an entry in ClinVar:

ClinVar aggregate classification (germline): Uncertain significance (1 of 4 stars; one submission).

Submission:

GeneDx
Classification: Uncertain significance. Last evaluated: 2025-06-05. Review status: criteria provided, single submitter. Criteria: GeneDx Variant Classification Process June 2021. Collection method: clinical testing. Allele origin: germline. Affected: yes.
Comment: Nonsense variant predicted to result in protein truncation as the last 172 amino acid(s) are lost; Not observed at significant frequency in large population cohorts (gnomAD); Has not been previously published as pathogenic or benign to our knowledge

NM_021784.5(FOXA2):c.874C>T (p.Gln292Ter)

Gene: FOXA2 (forkhead box A2; minus strand). Cytogenetic location: 20p11.21.
Variant type: single nucleotide variant.
Coding change: c.874C>T on transcript NM_021784.5 (MANE Select); coding-DNA position 874, C replaced by T.
Protein change: p.Gln292Ter; replaces glutamine 292 with a stop codon.
Molecular consequence: nonsense.
Genome position (GRCh38, 1-based): chr20:22,582,368, G>A on the plus strand (C>T on the coding strand, the complement: FOXA2 is on the minus strand). VCF-style: chr20-22582368-G-A. GRCh37 (hg19) VCF-style: chr20-22563006-G-A.
Other names: c.856C>T, p.Gln286Ter (NM_153675.3); short protein forms Q286*, Q292*.
Identifiers: ClinVar variation 4536456 (VCV004536456.1).